The following is an entry in ClinVar:

NM_001330078.2(NRXN1):c.3071G>A (p.Ser1024Asn)

Gene: NRXN1 (neurexin 1; minus strand). Cytogenetic location: 2p16.3.
Variant type: single nucleotide variant.
Coding change: c.3071G>A on transcript NM_001330078.2 (MANE Select); coding-DNA position 3071, G replaced by A.
Protein change: p.Ser1024Asn; replaces serine 1024 with asparagine.
Molecular consequence: missense variant.
Genome position (GRCh38, 1-based): chr2:50,472,471, C>T on the plus strand (G>A on the coding strand, the complement: NRXN1 is on the minus strand). VCF-style: chr2-50472471-C-T. GRCh37 (hg19) VCF-style: chr2-50699609-C-T.
Other names: c.3191G>A, p.Ser1064Asn (NM_001135659.3); c.3047G>A, p.Ser1016Asn (NM_001330077.2, NM_001330082.2); c.3005G>A, p.Ser1002Asn (NM_001330083.2, NM_001330084.2); c.3044G>A, p.Ser1015Asn (NM_001330085.2); c.3071G>A, p.Ser1024Asn (NM_001330086.2, NM_004801.6); c.2960G>A, p.Ser987Asn (NM_001330087.2, NM_001330096.2); c.2990G>A, p.Ser997Asn (NM_001330088.2); c.3068G>A, p.Ser1023Asn (NM_001330093.2); and 2 more; short protein forms S1015N, S1064N, S987N, S1007N, S1024N, S1002N, S1020N, S1023N.
Identifiers: ClinVar variation 2787256 (VCV002787256.3), dbSNP rs2468656865, ClinGen allele CA346773009.
Genomic context (GRCh38, chr2:50,472,471, plus strand): 5'-TGTACAAGTTTTGGTAAGGATTTGTATGTTTCTTTAGCTACTCCTCCTATATATAAGTCA[C>T]CTGCAAGAAGATCAAAGTCTTTGTTACAAAAGTACCATGTCATTGACTTTAAACACACAG-3'
Protein context (NP_001317007.1, residues 1014-1034): TAGARNLDLK[Ser1024Asn]DLYIGGVAKE

ClinVar aggregate classification (germline): Uncertain significance (1 of 4 stars; one submission).

Conditions:
Pitt-Hopkins-like syndrome 2 (PTHSL2). Identifiers: Orphanet 221150, Orphanet 600663, MedGen C3280479, MONDO:0013690, OMIM 614325.

Allele frequency attached by ClinVar (database versions not stated): gnomAD exomes 0.00001.
gnomAD v4.1: 9 of 1,607,998 alleles (0.00056%); highest among the groups gnomAD compares: Non-Finnish European, 0.00077%; no homozygotes.

Submission:

Labcorp Genetics (formerly Invitae), Labcorp
Classification: Uncertain significance for Pitt-Hopkins-like syndrome 2. Last evaluated: 2026-01-05. Review status: criteria provided, single submitter. Criteria: Invitae Variant Classification Sherloc (09022015). Collection method: clinical testing. Allele origin: germline.
Comment: This sequence change replaces serine, which is neutral and polar, with asparagine, which is neutral and polar, at codon 1064 of the NRXN1 protein (p.Ser1064Asn). This variant is not present in population databases (gnomAD no frequency). This variant has not been reported in the literature in individuals affected with NRXN1-related conditions. ClinVar contains an entry for this variant (Variation ID: 2787256). An algorithm developed to predict the effect of missense changes on protein structure and function (PolyPhen-2) suggests that this variant is likely to be disruptive. In summary, the available evidence is currently insufficient to determine the role of this variant in disease. Therefore, it has been classified as a Variant of Uncertain Significance.